The following is an entry in ClinVar:

ClinVar aggregate classification (germline): Uncertain significance. Review status: criteria provided, multiple submitters, no conflicts (2 of 4 stars). 2 submissions from 2 submitters: Uncertain significance (2). Last evaluated 2024-12-11.

Conditions:
Primary ciliary dyskinesia. Also called: Ciliary dyskinesia. Identifiers: Orphanet 244, MedGen C0008780, MONDO:0016575, HP:0012265.

Allele frequency attached by ClinVar (database versions not stated): gnomAD exomes 0.00015 and 0.00021; TOPMed 0.00018; ExAC 0.00030; gnomAD 0.00031 and 0.00034; ESP Exome Variant Server 0.00049.
gnomAD v4.1: 263 of 1,614,014 alleles (0.016%); highest among the groups gnomAD compares: Middle Eastern, 0.033%; no homozygotes.

Submissions (2):

Labcorp Genetics (formerly Invitae), Labcorp
Classification: Uncertain significance for Primary ciliary dyskinesia. Last evaluated: 2024-12-11. Review status: criteria provided, single submitter. Criteria: Invitae Variant Classification Sherloc (09022015). Collection method: clinical testing. Allele origin: germline.
Comment: This sequence change replaces arginine, which is basic and polar, with tryptophan, which is neutral and slightly polar, at codon 496 of the DNAAF3 protein (p.Arg496Trp). This variant is present in population databases (rs77322382, gnomAD 0.08%). This variant has not been reported in the literature in individuals affected with DNAAF3-related conditions. ClinVar contains an entry for this variant (Variation ID: 582989). Invitae Evidence Modeling of protein sequence and biophysical properties (such as structural, functional, and spatial information, amino acid conservation, physicochemical variation, residue mobility, and thermodynamic stability) has been performed for this missense variant. However, the output from this modeling did not meet the statistical confidence thresholds required to predict the impact of this variant on DNAAF3 protein function. In summary, the available evidence is currently insufficient to determine the role of this variant in disease. Therefore, it has been classified as a Variant of Uncertain Significance.

Ambry Genetics
Classification: Uncertain significance for Primary ciliary dyskinesia. Last evaluated: 2017-09-18. Review status: criteria provided, single submitter. Criteria: Ambry Variant Classification Scheme 2023. Collection method: clinical testing. Allele origin: germline.
Comment: The p.R496W variant (also known as c.1486C>T), located in coding exon 12 of the DNAAF3 gene, results from a C to T substitution at nucleotide position 1486. The arginine at codon 496 is replaced by tryptophan, an amino acid with dissimilar properties. This amino acid position is not well conserved in available vertebrate species. In addition, this alteration is predicted to be tolerated by in silico analysis. Since supporting evidence is limited at this time, the clinical significance of this alteration remains unclear.

NM_001256715.2(DNAAF3):c.1285C>T (p.Arg429Trp)

Genes: DNAAF3 (dynein axonemal assembly factor 3; minus strand), DNAAF3-AS1 (DNAAF3 antisense RNA 1; plus strand). Cytogenetic location: 19q13.42.
Variant type: single nucleotide variant.
Coding change: c.1285C>T on transcript NM_001256715.2 (MANE Select); coding-DNA position 1285, C replaced by T.
Protein change: p.Arg429Trp; replaces arginine 429 with tryptophan.
Molecular consequence: missense variant.
Genome position (GRCh38, 1-based): chr19:55,159,403, G>A on the plus strand (C>T on the coding strand, the complement: DNAAF3 is on the minus strand). VCF-style: chr19-55159403-G-A. GRCh37 (hg19) VCF-style: chr19-55670771-G-A.
Other names: c.1486C>T, p.Arg496Trp (NM_001256714.1); c.1123C>T, p.Arg375Trp (NM_001256716.2); c.1426C>T, p.Arg476Trp (NM_178837.4); short protein forms R496W, R476W, R375W, R429W.
Identifiers: ClinVar variation 582989 (VCV000582989.8), dbSNP rs77322382, ClinGen allele CA9667810.